The following is an entry in ClinVar:

ClinVar aggregate classification (germline): Benign/Likely benign. Review status: criteria provided, multiple submitters, no conflicts (2 of 4 stars). 5 submissions from 5 submitters: Benign (2); Likely benign (2). 1 of the submissions does not count toward it. Last evaluated 2026-01-20.

Conditions:
IL23R-related disorder. Also called: IL23R-related condition.

Allele frequency attached by ClinVar (database versions not stated): 1000 Genomes Project 30x 0.00109; 1000 Genomes Project 0.00120; TOPMed 0.00172; ESP Exome Variant Server 0.00192; gnomAD 0.00294 and 0.00307.
gnomAD v4.1: 4,369 of 1,613,808 alleles (0.27%); highest among the groups gnomAD compares: Non-Finnish European, 0.27%; 15 homozygotes.

Submissions (5):

Labcorp Genetics (formerly Invitae), Labcorp
Classification: Benign. Last evaluated: 2026-01-20. Review status: criteria provided, single submitter. Criteria: Invitae Variant Classification Sherloc (09022015). Collection method: clinical testing. Allele origin: germline.

Blueprint Genetics
Classification: Likely benign. Last evaluated: 2024-11-25. Review status: criteria provided, single submitter. Criteria: ACMG Guidelines, 2015. Collection method: clinical testing. Allele origin: germline.

CeGaT Center for Human Genetics Tuebingen
Classification: Likely benign. Last evaluated: 2023-04-01. Review status: criteria provided, single submitter. Criteria: CeGaT Center For Human Genetics Tuebingen Variant Classification Criteria Version 2. Collection method: clinical testing. Allele origin: germline. Affected: yes. Observed: 1 variant allele.
Comment: IL23R: BP4, BS2

Breakthrough Genomics
Classification: Benign. Review status: criteria provided, single submitter. Criteria: ACMG Guidelines, 2015. Collection method: not provided. Allele origin: germline. Inheritance: Unknown mechanism. Affected: yes.

PreventionGenetics, part of Exact Sciences
Classification: Likely benign for IL23R-related condition. Last evaluated: 2024-08-08. Review status: no assertion criteria provided. Collection method: clinical testing. Allele origin: germline. Not counted in ClinVar's aggregate classification.
Comment: This variant is classified as likely benign based on ACMG/AMP sequence variant interpretation guidelines (Richards et al. 2015 PMID: 25741868, with internal and published modifications).

NM_144701.3(IL23R):c.257G>A (p.Arg86Gln)

Gene: IL23R (interleukin 23 receptor; plus strand). Cytogenetic location: 1p31.3.
Variant type: single nucleotide variant.
Coding change: c.257G>A on transcript NM_144701.3 (MANE Select); coding-DNA position 257, G replaced by A.
Protein change: p.Arg86Gln; replaces arginine 86 with glutamine.
Molecular consequence: missense variant.
Genome position (GRCh38, 1-based): chr1:67,169,528, G>A. VCF-style: chr1-67169528-G-A. GRCh37 (hg19) VCF-style: chr1-67635211-G-A.
Other names: c.257G>A (NM_144701.2); short protein forms R86Q.
Identifiers: ClinVar variation 1169579 (VCV001169579.35), dbSNP rs76575803, ClinGen allele CA899671.